The following is an entry in ClinVar:

ClinVar aggregate classification (germline): Uncertain significance (1 of 4 stars; one submission).

Conditions:
Ullrich congenital muscular dystrophy 2 (UCMD2). Identifiers: Orphanet 75840, MedGen C4225314, MONDO:0014654, OMIM 616470.
Bethlem myopathy 2 (BTHLM2). Identifiers: Orphanet 536516, Orphanet 610, MedGen C4225313, MONDO:0034022, OMIM 616471.

gnomAD v4.1: 1 of 1,613,940 alleles (0.000062%); highest among the groups gnomAD compares: South Asian, 0.0011%; no homozygotes.

Submission:

Labcorp Genetics (formerly Invitae), Labcorp
Classification: Uncertain significance for Bethlem myopathy 2; Ullrich congenital muscular dystrophy 2. Last evaluated: 2024-07-31. Review status: criteria provided, single submitter. Criteria: Invitae Variant Classification Sherloc (09022015). Collection method: clinical testing. Allele origin: germline.
Comment: This sequence change replaces threonine, which is neutral and polar, with asparagine, which is neutral and polar, at codon 1708 of the COL12A1 protein (p.Thr1708Asn). This variant is not present in population databases (gnomAD no frequency). This variant has not been reported in the literature in individuals affected with COL12A1-related conditions. Advanced modeling of protein sequence and biophysical properties (such as structural, functional, and spatial information, amino acid conservation, physicochemical variation, residue mobility, and thermodynamic stability) performed at Invitae indicates that this missense variant is not expected to disrupt COL12A1 protein function with a negative predictive value of 80%. In summary, the available evidence is currently insufficient to determine the role of this variant in disease. Therefore, it has been classified as a Variant of Uncertain Significance.

NM_004370.6(COL12A1):c.5123C>A (p.Thr1708Asn)

Gene: COL12A1 (collagen type XII alpha 1 chain; minus strand). Cytogenetic location: 6q13.
Variant type: single nucleotide variant.
Coding change: c.5123C>A on transcript NM_004370.6 (MANE Select); coding-DNA position 5123, C replaced by A.
Protein change: p.Thr1708Asn; replaces threonine 1708 with asparagine.
Molecular consequence: missense variant.
Genome position (GRCh38, 1-based): chr6:75,138,555, G>T on the plus strand (C>A on the coding strand, the complement: COL12A1 is on the minus strand). VCF-style: chr6-75138555-G-T. GRCh37 (hg19) VCF-style: chr6-75848271-G-T.
Other names: c.5123C>A, p.Thr1708Asn (NM_001424113.1, NM_001424114.1); c.4850C>A, p.Thr1617Asn (NM_001424115.1); c.1631C>A, p.Thr544Asn (NM_001424116.1, NM_080645.3); short protein forms T1617N, T1708N, T544N.
Identifiers: ClinVar variation 3763773 (VCV003763773.2).